The following is an entry in ClinVar:

ClinVar aggregate classification (germline): Uncertain significance (1 of 4 stars; one submission).

Conditions:
Atrioventricular septal defect 5 (AVSD5). Identifiers: MedGen C3280939, MONDO:0013769, OMIM 614474.

Allele frequency attached by ClinVar (database versions not stated): gnomAD exomes 0.00001.
gnomAD v4.1: 7 of 1,497,176 alleles (0.00047%); highest among the groups gnomAD compares: South Asian, 0.0075%; no homozygotes.

Submission:

Labcorp Genetics (formerly Invitae), Labcorp
Classification: Uncertain significance for Atrioventricular septal defect 5. Last evaluated: 2023-12-13. Review status: criteria provided, single submitter. Criteria: Invitae Variant Classification Sherloc (09022015). Collection method: clinical testing. Allele origin: germline.
Comment: This sequence change replaces alanine, which is neutral and non-polar, with glycine, which is neutral and non-polar, at codon 182 of the GATA6 protein (p.Ala182Gly). This variant is present in population databases (no rsID available, gnomAD 0.02%). This variant has not been reported in the literature in individuals affected with GATA6-related conditions. ClinVar contains an entry for this variant (Variation ID: 2414099). Advanced modeling of protein sequence and biophysical properties (such as structural, functional, and spatial information, amino acid conservation, physicochemical variation, residue mobility, and thermodynamic stability) performed at Invitae indicates that this missense variant is not expected to disrupt GATA6 protein function with a negative predictive value of 80%. In summary, the available evidence is currently insufficient to determine the role of this variant in disease. Therefore, it has been classified as a Variant of Uncertain Significance.

NM_005257.6(GATA6):c.545C>G (p.Ala182Gly)

Gene: GATA6 (GATA binding protein 6; plus strand). Cytogenetic location: 18q11.2.
Variant type: single nucleotide variant.
Coding change: c.545C>G on transcript NM_005257.6 (MANE Select); coding-DNA position 545, C replaced by G.
Protein change: p.Ala182Gly; replaces alanine 182 with glycine.
Molecular consequence: missense variant.
Genome position (GRCh38, 1-based): chr18:22,171,689, C>G. VCF-style: chr18-22171689-C-G. GRCh37 (hg19) VCF-style: chr18-19751650-C-G.
Other names: short protein forms A182G.
Identifiers: ClinVar variation 2414099 (VCV002414099.6), dbSNP rs1299769614, ClinGen allele CA401799887.